The following is an entry in ClinVar:

NM_020458.4(TTC7A):c.701A>G (p.Tyr234Cys)

Gene: TTC7A (tetratricopeptide repeat domain 7A; plus strand). Cytogenetic location: 2p21.
Variant type: single nucleotide variant.
Coding change: c.701A>G on transcript NM_020458.4 (MANE Select); coding-DNA position 701, A replaced by G.
Protein change: p.Tyr234Cys; replaces tyrosine 234 with cysteine.
Molecular consequence: missense variant. On other transcripts: 5 prime UTR variant (1).
Genome position (GRCh38, 1-based): chr2:46,978,844, A>G. VCF-style: chr2-46978844-A-G. GRCh37 (hg19) VCF-style: chr2-47205983-A-G.
Other names: c.-204A>G (NM_001288955.2); c.701A>G, p.Tyr234Cys (NM_001288951.2); c.599A>G, p.Tyr200Cys (NM_001288953.2); short protein forms Y200C, Y234C.
Identifiers: ClinVar variation 1449939 (VCV001449939.6), dbSNP rs749650681, ClinGen allele CA1647318.
Genomic context (GRCh38, chr2:46,978,844, plus strand): 5'-CTTCCCAGACCACAAATAACAGCACGTCGAGGCATCTGAAAGGCTGTCACCCGCTTGACT[A>G]TGAGCTCACCTACTTCCTGGAAGCTGCCCTCCAGAGCGCCTATGTGAAAAACCTGAAGAA-3'
Protein context (NP_065191.2, residues 224-244): RHLKGCHPLD[Tyr234Cys]ELTYFLEAAL

ClinVar aggregate classification (germline): Uncertain significance (1 of 4 stars; one submission).

Conditions:
Multiple gastrointestinal atresias. Also called: FAMILIAL INTESTINAL POLYATRESIA SYNDROME; Multiple intestinal atresia. Identifiers: Orphanet 2300, MedGen C0220744, MONDO:0009465.

Allele frequency attached by ClinVar (database versions not stated): gnomAD exomes below 0.00001 and 0.00001; ExAC 0.00001; gnomAD 0.00001; TOPMed 0.00001.
gnomAD v4.1: 9 of 1,613,964 alleles (0.00056%); highest among the groups gnomAD compares: East Asian, 0.0022%; no homozygotes.

Submission:

Labcorp Genetics (formerly Invitae), Labcorp
Classification: Uncertain significance for Multiple gastrointestinal atresias. Last evaluated: 2021-02-25. Review status: criteria provided, single submitter. Criteria: Invitae Variant Classification Sherloc (09022015). Collection method: clinical testing. Allele origin: germline.
Comment: This variant is present in population databases (rs749650681, ExAC 0.009%). In summary, the available evidence is currently insufficient to determine the role of this variant in disease. Therefore, it has been classified as a Variant of Uncertain Significance. Algorithms developed to predict the effect of sequence changes on RNA splicing suggest that this variant may create or strengthen a splice site, but this prediction has not been confirmed by published transcriptional studies. Algorithms developed to predict the effect of missense changes on protein structure and function (SIFT, PolyPhen-2, Align-GVGD) all suggest that this variant is likely to be tolerated, but these predictions have not been confirmed by published functional studies and their clinical significance is uncertain. This variant has not been reported in the literature in individuals with TTC7A-related conditions. This sequence change replaces tyrosine with cysteine at codon 234 of the TTC7A protein (p.Tyr234Cys). The tyrosine residue is weakly conserved and there is a large physicochemical difference between tyrosine and cysteine.